The following is an entry in ClinVar:

ClinVar aggregate classification (germline): Conflicting classifications of pathogenicity. Review status: criteria provided, conflicting classifications (1 of 4 stars). 4 submissions from 4 submitters: Likely pathogenic (1); Uncertain significance (3). Last evaluated 2026-01-20.

Conditions:
Oculocutaneous albinism type 4 (OCA4). Also called: Albinism, oculocutaneous, type IV. Identifiers: Orphanet 79435, MedGen C1847836, MONDO:0011683, OMIM 606574.

Allele frequency attached by ClinVar (database versions not stated): gnomAD exomes 0.00004; TOPMed 0.00005; ExAC 0.00002; gnomAD 0.00005; ESP Exome Variant Server 0.00015.
gnomAD v4.1: 86 of 1,614,060 alleles (0.0053%); highest among the groups gnomAD compares: Non-Finnish European, 0.0064%; no homozygotes.

Submissions (4):

Labcorp Genetics (formerly Invitae), Labcorp
Classification: Likely pathogenic. Last evaluated: 2026-01-20. Review status: criteria provided, single submitter. Criteria: Invitae Variant Classification Sherloc (09022015). Collection method: clinical testing. Allele origin: germline.
Comment: This sequence change replaces proline, which is neutral and non-polar, with serine, which is neutral and polar, at codon 104 of the SLC45A2 protein (p.Pro104Ser). This variant is present in population databases (rs372381365, gnomAD 0.008%). This missense change has been observed in individual(s) with ocular albinism (PMID: 34078970; internal data). In at least one individual the data is consistent with being in trans (on the opposite chromosome) from a pathogenic variant. ClinVar contains an entry for this variant (Variation ID: 905935). Invitae Evidence Modeling of protein sequence and biophysical properties (such as structural, functional, and spatial information, amino acid conservation, physicochemical variation, residue mobility, and thermodynamic stability) indicates that this missense variant is expected to disrupt SLC45A2 protein function with a positive predictive value of 80%. In summary, the currently available evidence indicates that the variant is pathogenic, but additional data are needed to prove that conclusively. Therefore, this variant has been classified as Likely Pathogenic.

Institute of Immunology and Genetics Kaiserslautern
Classification: Uncertain significance for Oculocutaneous albinism type 4. Last evaluated: 2025-06-04. Review status: criteria provided, single submitter. Criteria: ACMG Guidelines, 2015. Collection method: clinical testing. Allele origin: germline. Affected: yes.
Comment: ACMG Criteria: PM2_P, PP3; Variant was found in heterozygous state together with the heterozygous variant NM_016180.5:c.274A>G

Blueprint Genetics
Classification: Uncertain significance. Last evaluated: 2022-11-18. Review status: criteria provided, single submitter. Criteria: ACMG Guidelines, 2015. Collection method: clinical testing. Allele origin: germline.

Illumina Laboratory Services, Illumina
Classification: Uncertain significance for Oculocutaneous albinism type 4. Last evaluated: 2018-01-13. Review status: criteria provided, single submitter. Criteria: ICSL Variant Classification Criteria 13 December 2019. Collection method: clinical testing. Allele origin: germline.

Literature cited by the submitters: PubMed 34078970 (cited by Labcorp Genetics (formerly Invitae), Labcorp).

NM_016180.5(SLC45A2):c.310C>T (p.Pro104Ser)

Gene: SLC45A2 (solute carrier family 45 member 2; minus strand). Cytogenetic location: 5p13.2.
Variant type: single nucleotide variant.
Coding change: c.310C>T on transcript NM_016180.5 (MANE Select); coding-DNA position 310, C replaced by T.
Protein change: p.Pro104Ser; replaces proline 104 with serine.
Molecular consequence: missense variant.
Genome position (GRCh38, 1-based): chr5:33,984,274, G>A on the plus strand (C>T on the coding strand, the complement: SLC45A2 is on the minus strand). VCF-style: chr5-33984274-G-A. GRCh37 (hg19) VCF-style: chr5-33984379-G-A.
Other names: c.310C>T, p.Pro104Ser (NM_001012509.4, NM_001297417.4); short protein forms P104S.
Identifiers: ClinVar variation 905935 (VCV000905935.13), dbSNP rs372381365, ClinGen allele CA3225828.
Genomic context (GRCh38, chr5:33,984,274, plus strand): 5'-CCCCATTGAGGTACAGAGCCATGCCCACGAGCATCATGACTCCCAGGGTGAGGATGTAGG[G>A]TCTCCGGCGGCCCCACCTGGACCGGCAGTGGTCGCTGGCCGATCCGACCACGGGCTGCAG-3'
Protein context (NP_057264.4, residues 94-114): HCRSRWGRRR[Pro104Ser]YILTLGVMML